The following is an entry in ClinVar:

ClinVar aggregate classification (germline): Likely benign. Review status: criteria provided, multiple submitters, no conflicts (2 of 4 stars). 2 submissions from 2 submitters: Likely benign (2). Last evaluated 2025-09-27.

Conditions:
Tay-Sachs disease, variant AB. Also called: GM2 Activator Deficiency; Gm2-gangliosidosis, ab variant. Identifiers: Orphanet 309246, MedGen C0268275, MONDO:0010099, OMIM 272750.

Allele frequency attached by ClinVar (database versions not stated): gnomAD 0.00013 and 0.00018; gnomAD exomes 0.00015 and 0.00043; TOPMed 0.00017; ExAC 0.00036; 1000 Genomes Project 30x 0.00078; 1000 Genomes Project 0.00100.
gnomAD v4.1: 245 of 1,609,520 alleles (0.015%); highest among the groups gnomAD compares: East Asian, 0.51%; no homozygotes.

Submissions (2):

Labcorp Genetics (formerly Invitae), Labcorp
Classification: Likely benign for Tay-Sachs disease, variant AB. Last evaluated: 2025-09-27. Review status: criteria provided, single submitter. Criteria: Invitae Variant Classification Sherloc (09022015). Collection method: clinical testing. Allele origin: germline.

Illumina Laboratory Services, Illumina
Classification: Likely benign for Tay-Sachs disease, variant AB. Last evaluated: 2018-01-13. Review status: criteria provided, single submitter. Criteria: ICSL Variant Classification Criteria 13 December 2019. Collection method: clinical testing. Allele origin: germline.
Comment: This variant was observed in the ICSL laboratory as part of a predisposition screen in an ostensibly healthy population. It had not been previously curated by ICSL or reported in the Human Gene Mutation Database (HGMD: prior to June 1st, 2018), and was therefore a candidate for classification through an automated scoring system. Utilizing variant allele frequency, disease prevalence and penetrance estimates, and inheritance mode, an automated score was calculated to assess if this variant is too frequent to cause the disease. Based on the score and internal cut-off values, a variant classified as likely benign is not then subjected to further curation. The score for this variant resulted in a classification of likely benign for this disease.

NM_000405.5(GM2A):c.78A>T (p.Lys26Asn)

Gene: GM2A (ganglioside GM2 activator; plus strand). Cytogenetic location: 5q33.1.
Variant type: single nucleotide variant.
Coding change: c.78A>T on transcript NM_000405.5 (MANE Select); coding-DNA position 78, A replaced by T.
Protein change: p.Lys26Asn; replaces lysine 26 with asparagine.
Molecular consequence: missense variant.
Genome position (GRCh38, 1-based): chr5:151,253,294, A>T. VCF-style: chr5-151253294-A-T. GRCh37 (hg19) VCF-style: chr5-150632855-A-T.
Other names: c.78A>T, p.Lys26Asn (NM_001167607.3); short protein forms K26N.
Identifiers: ClinVar variation 352252 (VCV000352252.13), dbSNP rs28365994, ClinGen allele CA3517846.
Genomic context (GRCh38, chr5:151,253,294, plus strand): 5'-GGCTCCCCTCCTGATCGCCCTGGGCTTGCTTCTCGCGGCCCCTGCGCAAGCCCACCTGAA[A>T]AAGGTGAGTGCACCCTCTTTTAAGAGTCTGTTTGCAGCCTCCTGGCCCAGCTACGGGTGT-3'
Protein context (NP_000396.2, residues 16-36): LLAAPAQAHL[Lys26Asn]KPSQLSSFSW